The following is an entry in ClinVar:

NM_000038.6(APC):c.1743+2155T>G

Gene: APC (APC regulator of WNT signaling pathway; plus strand). Cytogenetic location: 5q22.2.
Variant type: single nucleotide variant.
Coding change: c.1743+2155T>G on transcript NM_000038.6 (MANE Select); 2155 bases into the intron after coding-DNA position 1743, T replaced by G.
Molecular consequence: intron variant.
Genome position (GRCh38, 1-based): chr5:112,831,127, T>G. VCF-style: chr5-112831127-T-G. GRCh37 (hg19) VCF-style: chr5-112166824-T-G.
Other names: c.1743+2155T>G (NM_001354895.2, NM_001127510.3); c.1773+2155T>G (NM_001354897.2); c.1470+2155T>G (NM_001354902.2); c.1689+2155T>G (NM_001127511.3); c.1668+2155T>G (NM_001354898.2); c.1365+2155T>G (NM_001354904.2); c.894+2155T>G (NM_001354906.2); c.1797+2155T>G (NM_001354896.2); and 5 more.
Identifiers: ClinVar variation 82597 (VCV000082597.2), dbSNP rs77642001, ClinGen allele CA005583.

ClinVar aggregate classification (germline): other (0 of 4 stars; one submission).

Conditions:
Familial colorectal cancer. Identifiers: MedGen CN280943, MONDO:0023113. Disease mechanism: loss of function.

Submission:

Systems Biology Platform Zhejiang California International NanoSystems Institute
Classification: other for Familial colorectal cancer. Review status: no assertion criteria provided. Collection method: not provided. Allele origin: unknown.
ClinVar note: Converted during submission from cancer to other.